The following is an entry in ClinVar:

NM_001165963.4(SCN1A):c.3730C>T (p.Gln1244Ter)

Genes: SCN1A (sodium voltage-gated channel alpha subunit 1; minus strand), LOC102724058 (uncharacterized LOC102724058; plus strand). Cytogenetic location: 2q24.3.
Variant type: single nucleotide variant.
Coding change: c.3730C>T on transcript NM_001165963.4 (MANE Select); coding-DNA position 3730, C replaced by T.
Protein change: p.Gln1244Ter; replaces glutamine 1244 with a stop codon.
Molecular consequence: nonsense. On other transcripts: non-coding transcript variant (1).
Genome position (GRCh38, 1-based): chr2:166,012,258, G>A on the plus strand (C>T on the coding strand, the complement: SCN1A is on the minus strand). VCF-style: chr2-166012258-G-A. GRCh37 (hg19) VCF-style: chr2-166868768-G-A.
Other names: c.3646C>T, p.Gln1216Ter (NM_001165964.3, NM_001353957.2, NM_001353958.2); c.3730C>T, p.Gln1244Ter (NM_001202435.3, NM_001353948.2); c.3697C>T, p.Gln1233Ter (NM_001353949.2, NM_001353950.2, NM_001353951.2 and 2 more transcripts); c.3694C>T, p.Gln1232Ter (NM_001353954.2, NM_001353955.2); c.3643C>T, p.Gln1215Ter (NM_001353960.2); c.1288C>T, p.Gln430Ter (NM_001353961.2); short protein forms Q1233*, Q1244*, Q1216*, Q1232*, Q430*, Q1215*.
Identifiers: ClinVar variation 189883 (VCV000189883.2), dbSNP rs794726727, ClinGen allele CA303201.

ClinVar aggregate classification (germline): Pathogenic. Review status: criteria provided, multiple submitters, no conflicts (2 of 4 stars). 2 submissions from 2 submitters: Pathogenic (2). Last evaluated 2023-08-26.

Conditions:
Severe myoclonic epilepsy in infancy (DRVT). Also called: Epileptic encephalopathy, early infantile, 6 (Dravet syndrome); SEVERE MYOCLONIC EPILEPSY OF INFANCY; DEVELOPMENTAL AND EPILEPTIC ENCEPHALOPATHY 6A; Severe Myoclonic Epilepsy in Infancy (SMEI); Dravet syndrome. Identifiers: Orphanet 33069, MedGen C0751122, MONDO:0100135, OMIM 607208.

Submissions (2):

3billion
Classification: Pathogenic for Severe myoclonic epilepsy in infancy. Last evaluated: 2023-08-26. Review status: criteria provided, single submitter. Criteria: ACMG Guidelines, 2015. Collection method: clinical testing. Allele origin: germline. Affected: yes.
Comment: The variant is not observed in the gnomAD v2.1.1 dataset. Predicted Consequence/Location: Stop-gained (nonsense): predicted to result in a loss or disruption of normal protein function through nonsense-mediated decay (NMD) or protein truncation. Multiple pathogenic variants are reported downstream of the variant. The variant has been reported to be associated with SCN1A related disorder (ClinVar ID: VCV000189883 /PMID: 24168886). Therefore, this variant is classified as Pathogenic according to the recommendation of ACMG/AMP guideline.

Center for Bioinformatics, Peking University
Classification: Pathogenic for Dravet syndrome. Last evaluated: 2014-12-20. Review status: criteria provided, single submitter. Criteria: Xu et al. (Hum Mutat. 2015). Collection method: research. Allele origin: de novo. Affected: yes. Observed: 1 variant allele. Study: University Clinical Cooperation “985 Project” PKU-2014-1-1.
Comment: Dravet syndrome (DS) probands were recruited from the outpatient and inpatient child neurology units of Peking University First Hospital from 2005 till present. The study was approved by the Ethics Committee of Peking University First Hospital and the Institutional Review Board at Peking University. Participants or their parents provided written informed consent before enrollment. We collected a total of 267 mutations from 255 families with probands diagnosed with DS in China. All probands fulfilled the clinical diagnostic criteria.

Literature cited by the submitters: PubMed 24168886 (cited by 3billion).